The following is an entry in ClinVar:

NM_004036.5(ADCY3):c.2700G>A (p.Val900=)

Gene: ADCY3 (adenylate cyclase 3; minus strand). Cytogenetic location: 2p23.3.
Variant type: single nucleotide variant.
Coding change: c.2700G>A on transcript NM_004036.5 (MANE Select); coding-DNA position 2700, G replaced by A.
Protein change: p.Val900=; no amino-acid change (valine 900 retained).
Molecular consequence: synonymous variant.
Genome position (GRCh38, 1-based): chr2:24,824,414, C>T on the plus strand (G>A on the coding strand, the complement: ADCY3 is on the minus strand). VCF-style: chr2-24824414-C-T. GRCh37 (hg19) VCF-style: chr2-25047283-C-T.
Other names: c.2703G>A, p.Val901= (NM_001320613.2); c.2766G>A, p.Val922= (NM_001377128.1); c.2562G>A, p.Val854= (NM_001377129.1); c.2295G>A, p.Val765= (NM_001377130.1); c.1977G>A, p.Val659= (NM_001377131.1); c.2700G>A, p.Val900= (NM_001377132.1).
Identifiers: ClinVar variation 4991139 (VCV004991139.1).

ClinVar aggregate classification (germline): Likely benign (1 of 4 stars; one submission).

Conditions:
ADCY3-related disorder. Also called: ADCY3-related condition.

Submission:

PreventionGenetics, part of Exact Sciences
Classification: Likely benign for ADCY3-related condition. Last evaluated: 2025-11-02. Review status: criteria provided, single submitter. Criteria: ACMG Guidelines, 2015. Collection method: clinical testing. Allele origin: germline.
Comment: This variant is classified as likely benign based on ACMG/AMP sequence variant interpretation guidelines (Richards et al. 2015 PMID: 25741868, with internal and published modifications).